The following is an entry in ClinVar:

NM_152383.5(DIS3L2):c.2052G>A (p.Ala684=)

Gene: DIS3L2 (DIS3 like 3'-5' exoribonuclease 2; plus strand). Cytogenetic location: 2q37.1.
Variant type: single nucleotide variant.
Coding change: c.2052G>A on transcript NM_152383.5 (MANE Select); coding-DNA position 2052, G replaced by A.
Protein change: p.Ala684=; no amino-acid change (alanine 684 retained).
Molecular consequence: synonymous variant. On other transcripts: non-coding transcript variant (2), intron variant (1).
Genome position (GRCh38, 1-based): chr2:232,333,881, G>A. VCF-style: chr2-232333881-G-A. GRCh37 (hg19) VCF-style: chr2-233198591-G-A.
Other names: c.1582-9464G>A (NM_001257281.2).
Identifiers: ClinVar variation 1133706 (VCV001133706.32), dbSNP rs529468340, ClinGen allele CA2164384.
Genomic context (GRCh38, chr2:232,333,881, plus strand): 5'-GACCCATCCCGTCCCGCAGATGGCACTGTACTTCTGCTCGGGGCTGCTGCAGGACCCAGC[G>A]CAGTTCCGGCACTACGCGCTCAATGTGCCCCTGTACACACACTTCACCTCGCCCATCCGC-3'
Protein context (NP_689596.4, residues 674-694): YFCSGLLQDP[Ala684=]QFRHYALNVP

ClinVar aggregate classification (germline): Likely benign. Review status: criteria provided, multiple submitters, no conflicts (2 of 4 stars). 2 submissions from 2 submitters: Likely benign (2). Last evaluated 2025-10-23.

Conditions:
Perlman syndrome (PRLMNS). Identifiers: Orphanet 2849, MedGen C0796113, MONDO:0009965, OMIM 267000.

Allele frequency attached by ClinVar (database versions not stated): gnomAD 0.00001 and 0.00002; gnomAD exomes 0.00001; ExAC 0.00002; TOPMed 0.00002; 1000 Genomes Project 30x 0.00016; 1000 Genomes Project 0.00020.
gnomAD v4.1: 14 of 1,612,850 alleles (0.00087%); highest among the groups gnomAD compares: Admixed American, 0.0017%; no homozygotes.

Submissions (2):

Labcorp Genetics (formerly Invitae), Labcorp
Classification: Likely benign for Perlman syndrome. Last evaluated: 2025-10-23. Review status: criteria provided, single submitter. Criteria: Invitae Variant Classification Sherloc (09022015). Collection method: clinical testing. Allele origin: germline.

CeGaT Center for Human Genetics Tuebingen
Classification: Likely benign. Last evaluated: 2023-09-01. Review status: criteria provided, single submitter. Criteria: CeGaT Center For Human Genetics Tuebingen Variant Classification Criteria Version 2. Collection method: clinical testing. Allele origin: germline. Affected: yes. Observed: 1 variant allele.
Comment: DIS3L2: BP4, BP7